The following is an entry in ClinVar:

NM_001170700.3(DTHD1):c.910G>A (p.Val304Ile)

Gene: DTHD1 (death domain containing 1; plus strand). Cytogenetic location: 4p14.
Variant type: single nucleotide variant.
Coding change: c.910G>A on transcript NM_001170700.3 (MANE Select); coding-DNA position 910, G replaced by A.
Protein change: p.Val304Ile; replaces valine 304 with isoleucine.
Molecular consequence: missense variant. On other transcripts: non-coding transcript variant (2).
Genome position (GRCh38, 1-based): chr4:36,290,395, G>A. VCF-style: chr4-36290395-G-A. GRCh37 (hg19) VCF-style: chr4-36292017-G-A.
Other names: c.40G>A, p.Val14Ile (NM_001136536.5, NM_001378435.1); short protein forms V14I, V304I.
Identifiers: ClinVar variation 3053785 (VCV003053785.3), dbSNP rs200576831, ClinGen allele CA2885593.

ClinVar aggregate classification (germline): Likely benign. Review status: criteria provided, single submitter (1 of 4 stars). 2 submissions from 2 submitters: Likely benign (1). 1 of the submissions does not count toward it. Last evaluated 2024-11-20.

Conditions:
DTHD1-related disorder. Also called: DTHD1-related condition.

Allele frequency attached by ClinVar (database versions not stated): gnomAD 0.00019; ExAC 0.00023; gnomAD exomes 0.00023; TOPMed 0.00034.
gnomAD v4.1: 364 of 1,550,744 alleles (0.023%); highest among the groups gnomAD compares: East Asian, 0.7%; 3 homozygotes.

Submissions (2):

Blueprint Genetics
Classification: Likely benign. Last evaluated: 2024-11-20. Review status: criteria provided, single submitter. Criteria: ACMG Guidelines, 2015. Collection method: clinical testing. Allele origin: germline.

PreventionGenetics, part of Exact Sciences
Classification: Likely benign for DTHD1-related condition. Last evaluated: 2019-09-06. Review status: no assertion criteria provided. Collection method: clinical testing. Allele origin: germline. Not counted in ClinVar's aggregate classification.
Comment: This variant is classified as likely benign based on ACMG/AMP sequence variant interpretation guidelines (Richards et al. 2015 PMID: 25741868, with internal and published modifications).